The following is an entry in ClinVar:

NM_001365999.1(SZT2):c.8534G>T (p.Arg2845Leu)

Gene: SZT2 (SZT2 subunit of KICSTOR complex; plus strand). Cytogenetic location: 1p34.2.
Variant type: single nucleotide variant.
Coding change: c.8534G>T on transcript NM_001365999.1 (MANE Select); coding-DNA position 8534, G replaced by T.
Protein change: p.Arg2845Leu; replaces arginine 2845 with leucine.
Molecular consequence: missense variant.
Genome position (GRCh38, 1-based): chr1:43,443,386, G>T. VCF-style: chr1-43443386-G-T. GRCh37 (hg19) VCF-style: chr1-43909057-G-T.
Other names: p.Arg2788Leu; c.8363G>T, p.Arg2788Leu (NM_015284.4); short protein forms R2788L, R2845L.
Identifiers: ClinVar variation 3379613 (VCV003379613.1).
Genomic context (GRCh38, chr1:43,443,386, plus strand): 5'-CCATGCTCACTGCCCTGTTTCCCCAGGCTGGAGAGCTGGAGACCCTGAAGCAGTCATCCC[G>T]CCTGGTGCATTACTGTGCAACAGCCATGCTCTTCGACCCAGCTGCCTGGCTGCATGGGCC-3'
Protein context (NP_001352928.1, residues 2835-2855): GELETLKQSS[Arg2845Leu]LVHYCATAML

ClinVar aggregate classification (germline): Uncertain significance (1 of 4 stars; one submission).

gnomAD v4.1: 3 of 1,614,130 alleles (0.00019%); highest among the groups gnomAD compares: South Asian, 0.0033%; no homozygotes.

Submission:

Mayo Clinic Laboratories, Mayo Clinic
Classification: Uncertain significance. Last evaluated: 2023-07-12. Review status: criteria provided, single submitter. Criteria: ACMG Guidelines, 2015. Collection method: clinical testing. Allele origin: germline. Observed: 1 variant allele.
Comment: PP3, PM2_moderate